The following is an entry in ClinVar:

ClinVar aggregate classification (germline): Pathogenic (1 of 4 stars; one submission).

Conditions:
Familial cancer of breast. Also called: hereditary breast carcinoma; BREAST CANCER, FAMILIAL; Hereditary breast cancer. Identifiers: Orphanet 227535, MedGen C0346153, MONDO:0016419, OMIM 114480. Disease mechanism: loss of function.

Submission:

Labcorp Genetics (formerly Invitae), Labcorp
Classification: Pathogenic for Familial cancer of breast. Last evaluated: 2023-10-18. Review status: criteria provided, single submitter. Criteria: Invitae Variant Classification Sherloc (09022015). Collection method: clinical testing. Allele origin: germline.
Comment: This sequence change creates a premature translational stop signal (p.Ser194Lysfs*4) in the CHEK2 gene. It is expected to result in an absent or disrupted protein product. Loss-of-function variants in CHEK2 are known to be pathogenic (PMID: 21876083, 24713400). This variant is not present in population databases (gnomAD no frequency). This variant has not been reported in the literature in individuals affected with CHEK2-related conditions. For these reasons, this variant has been classified as Pathogenic.

Literature cited by the submitters: PubMed 21876083; PubMed 24713400.

NM_007194.4(CHEK2):c.580dup (p.Ser194fs)

Gene: CHEK2 (checkpoint kinase 2; minus strand). Cytogenetic location: 22q12.1.
Variant type: Duplication.
Coding change: c.580dup on transcript NM_007194.4 (MANE Select); coding-DNA position 580, one base duplicated (A; older notation c.580dupA).
Protein change: p.Ser194fs; shifts the reading frame from serine 194.
Molecular consequence: frameshift variant. On other transcripts: 5 prime UTR variant (2), intron variant (1).
Genome position (GRCh38, 1-based): chr22:28,724,989, T duplicated on the plus strand (A on the coding strand, the reverse complement: CHEK2 is on the minus strand); the first of 2 consecutive T bases (chr22:28,724,989-28,724,990); duplicating either gives the same sequence. VCF-style (leftmost placement, unchanged base first): chr22-28724988-C-CT. GRCh37 (hg19) VCF-style: chr22-29120976-C-CT.
Other names: c.709dup, p.Ser237fs (NM_001005735.3, NM_001438294.1); c.-198dup (NM_001257387.3); c.-84dup (NM_001437942.1); c.673dup, p.Ser225fs (NM_001438293.1, NM_001438295.1); c.580dup, p.Ser194fs (NM_145862.3); c.445-66dup (NM_001349956.3); short protein forms S237fs, S194fs, S225fs.
Identifiers: ClinVar variation 2769705 (VCV002769705.3), dbSNP rs2518050443, ClinGen allele CA2697552617.